The following is an entry in ClinVar:

ClinVar aggregate classification (germline): Uncertain significance (1 of 4 stars; one submission).

Conditions:
CREBBP-related disorder. Also called: CREBBP-related disorders; CREBBP-related condition.

Submission:

PreventionGenetics, part of Exact Sciences
Classification: Uncertain significance for CREBBP-related condition. Last evaluated: 2026-08-05. Review status: criteria provided, single submitter. Criteria: ACMG Guidelines, 2015. Collection method: clinical testing. Allele origin: germline.
Comment: The CREBBP c.5657C>A variant is predicted to result in the amino acid substitution p.Thr1886Asn. To our knowledge, this variant has not been reported in the literature or in a large population database (gnomAD), indicating this variant is rare. At this time, the clinical significance of this variant is uncertain due to the absence of conclusive functional and genetic evidence.

NM_004380.3(CREBBP):c.5657C>A (p.Thr1886Asn)

Gene: CREBBP (CREB binding lysine acetyltransferase; minus strand). Cytogenetic location: 16p13.3.
Variant type: single nucleotide variant.
Coding change: c.5657C>A on transcript NM_004380.3 (MANE Select); coding-DNA position 5657, C replaced by A.
Protein change: p.Thr1886Asn; replaces threonine 1886 with asparagine.
Molecular consequence: missense variant.
Genome position (GRCh38, 1-based): chr16:3,729,390, G>T on the plus strand (C>A on the coding strand, the complement: CREBBP is on the minus strand). VCF-style: chr16-3729390-G-T. GRCh37 (hg19) VCF-style: chr16-3779391-G-T.
Other names: c.5543C>A, p.Thr1848Asn (NM_001079846.1); short protein forms T1886N, T1848N.
Identifiers: ClinVar variation 4994421 (VCV004994421.1).
Genomic context (GRCh38, chr16:3,729,390, plus strand): 5'-GGGGGCTGCGGCGTCTGGGGTGTGCTGGGCTGCTGTGTGGGGGTCCCGGGCGGTGCTGAG[G>T]TAGGAGAAGGCAGACTCTGCTGAGGCACGTTGCGGGTGTTCATGGTGGCCATCCGCCGGC-3'
Protein context (NP_004371.2, residues 1876-1896): NVPQQSLPSP[Thr1886Asn]SAPPGTPTQQ